The following is an entry in ClinVar:

NM_004415.4(DSP):c.3774C>A (p.Asp1258Glu)

Gene: DSP (desmoplakin; plus strand). Cytogenetic location: 6p24.3.
Variant type: single nucleotide variant.
Coding change: c.3774C>A on transcript NM_004415.4 (MANE Select); coding-DNA position 3774, C replaced by A.
Protein change: p.Asp1258Glu; replaces aspartic acid 1258 with glutamic acid.
Molecular consequence: missense variant. On other transcripts: intron variant (1).
Genome position (GRCh38, 1-based): chr6:7,579,964, C>A. VCF-style: chr6-7579964-C-A. GRCh37 (hg19) VCF-style: chr6-7580197-C-A.
Other names: c.3774C>A (LRG_423t1); c.3774C>A, p.Asp1258Glu (NM_001319034.2); c.3582+192C>A (NM_001008844.3); short protein forms D1258E.
Identifiers: ClinVar variation 534294 (VCV000534294.28), dbSNP rs748733750, ClinGen allele CA038986.

ClinVar aggregate classification (germline): Conflicting classifications of pathogenicity. Review status: criteria provided, conflicting classifications (1 of 4 stars). 7 submissions from 7 submitters: Uncertain significance (6); Likely benign (1). Last evaluated 2025-12-20.

Conditions:
Arrhythmogenic cardiomyopathy with wooly hair and keratoderma. Also called: PALMOPLANTAR KERATODERMA WITH LEFT VENTRICULAR CARDIOMYOPATHY AND WOOLLY HAIR; Carvajal syndrome; Dilated cardiomyopathy with woolly hair and keratoderma; Arrhythmogenic cardiomyopathy with woolly hair and keratoderma. Identifiers: Orphanet 65282, MedGen C1854063, MONDO:0011581, OMIM 605676.
Arrhythmogenic right ventricular dysplasia 8 (ARVD8). Also called: Arrhythmogenic Right Ventricular Dysplasia/Cardiomyopathy 8; ARRHYTHMOGENIC RIGHT VENTRICULAR DYSPLASIA, FAMILIAL, 8; ARRHYTHMOGENIC RIGHT VENTRICULAR CARDIOMYOPATHY 8. Identifiers: MedGen C1843896, MONDO:0011831, OMIM 607450.
Cardiomyopathy (CMYO). Also called: Cardiomyopathies. Identifiers: Orphanet 167848, MedGen C0878544, MONDO:0004994, HP:0001638. Inheritance: Various modes of inheritance.
Cardiovascular phenotype. Identifiers: MedGen CN230736.

Allele frequency attached by ClinVar (database versions not stated): TOPMed 0.00001; ExAC 0.00002; gnomAD exomes 0.00002.
gnomAD v4.1: 26 of 1,614,114 alleles (0.0016%); highest among the groups gnomAD compares: Non-Finnish European, 0.0022%; no homozygotes.

Submissions (7):

Labcorp Genetics (formerly Invitae), Labcorp
Classification: Likely benign for Arrhythmogenic cardiomyopathy with wooly hair and keratoderma; Arrhythmogenic right ventricular dysplasia 8. Last evaluated: 2025-12-20. Review status: criteria provided, single submitter. Criteria: Invitae Variant Classification Sherloc (09022015). Collection method: clinical testing. Allele origin: germline.

Color Diagnostics, LLC DBA Color Health
Classification: Uncertain significance for Cardiomyopathy. Last evaluated: 2025-04-01. Review status: criteria provided, single submitter. Criteria: ACMG Guidelines, 2015. Collection method: clinical testing. Allele origin: germline.
Comment: This missense variant replaces aspartic acid with glutamic acid at codon 1258 of the DSP protein. Computational prediction tool is inconclusive regarding the impact of this variant on protein structure and function. To our knowledge, functional studies have not been reported for this variant. This variant has been reported in two individuals suspected to be affected with arrhythmogenic right ventricular cardiomyopathy (PMID: 24070718, 26138720). This variant has been identified in 4/250766 chromosomes in the general population by the Genome Aggregation Database (gnomAD). The available evidence is insufficient to determine the role of this variant in disease conclusively. Therefore, this variant is classified as a Variant of Uncertain Significance.

Molecular Diagnostic Laboratory for Inherited Cardiovascular Disease, Montreal Heart Institute
Classification: Uncertain significance for Cardiovascular phenotype. Last evaluated: 2025-02-17. Review status: criteria provided, single submitter. Criteria: ACMG Guidelines, 2015. Collection method: clinical testing. Allele origin: germline. Affected: yes.

Ambry Genetics
Classification: Uncertain significance for Cardiovascular phenotype. Last evaluated: 2024-09-10. Review status: criteria provided, single submitter. Criteria: Ambry Variant Classification Scheme 2023. Collection method: clinical testing. Allele origin: germline.
Comment: The p.D1258E variant (also known as c.3774C>A), located in coding exon 23 of the DSP gene, results from a C to A substitution at nucleotide position 3774. The aspartic acid at codon 1258 is replaced by glutamic acid, an amino acid with highly similar properties. This variant has been reported in overlapping arrhythmogenic right ventricular cardiomyopathy (ARVC) cohorts with limited clinical details provided (Bauce B et al. Heart Rhythm, 2011 Nov;8:1686-95; Rigato I et al. Circ Cardiovasc Genet, 2013 Dec;6:533-42; Zorzi A et al. Europace, 2016 Jul;18:1086-94). This amino acid position is not well conserved in available vertebrate species. In addition, the in silico prediction for this alteration is inconclusive. Since supporting evidence is limited at this time, the clinical significance of this alteration remains unclear.

All of Us Research Program, National Institutes of Health
Classification: Uncertain significance for Arrhythmogenic cardiomyopathy with wooly hair and keratoderma. Last evaluated: 2023-12-13. Review status: criteria provided, single submitter. Criteria: ACMG Guidelines, 2015. Collection method: clinical testing. Allele origin: germline. Inheritance: Autosomal dominant inheritance. Observed: 3 variant alleles, 3 heterozygotes.
Comment: This missense variant replaces aspartic acid with glutamic acid at codon 1258 of the DSP protein. Computational prediction is inconclusive regarding the impact of this variant on protein structure and function (internally defined REVEL score threshold 0.5 < inconclusive < 0.7, PMID: 27666373). To our knowledge, functional studies have not been reported for this variant. This variant has been reported in two individuals suspected of having arrhythmogenic right ventricular cardiomyopathy (PMID: 24070718). This variant has been identified in 4/250766 chromosomes in the general population by the Genome Aggregation Database (gnomAD). The available evidence is insufficient to determine the role of this variant in disease conclusively. Therefore, this variant is classified as a Variant of Uncertain Significance.

This study involves interpretation of variants in research participants for the purpose of population health screening. Participant phenotype was not available at the time of variant classification. Additional details can be found in publication PMID: 35346344, PMCID: PMC8962531

Blueprint Genetics
Classification: Uncertain significance. Last evaluated: 2021-11-12. Review status: criteria provided, single submitter. Criteria: ACMG Guidelines, 2015. Collection method: clinical testing. Allele origin: germline.

ARUP Laboratories, Molecular Genetics and Genomics, ARUP Laboratories
Classification: Uncertain significance. Last evaluated: 2020-10-01. Review status: criteria provided, single submitter. Criteria: ARUP Molecular Germline Variant Investigation Process 2021. Collection method: clinical testing. Allele origin: germline.
Comment: The DSP c.3774C>A; p.Asp1258Glu variant (rs748733750) is reported in the literature in several individuals affected with arrhythmogenic right ventricular cardiomyopathy, although its clinical significance was not determined (Bauce 2011, Rigato 2013). This variant is found on only four chromosomes (4/250766 alleles) in the Genome Aggregation Database. The aspartate at codon 1258 is moderately conserved, and computational analyses (SIFT, PolyPhen-2) predict that this variant is tolerated. However, due to limited information, the clinical significance of the p.Asp1258Glu variant is uncertain at this time. References: Bauce et al. Clinical phenotype and diagnosis of arrhythmogenic right ventricular cardiomyopathy in pediatric patients carrying desmosomal gene mutations. Heart Rhythm. 2011 Nov;8(11):1686-95. Rigato I et al. Compound and digenic heterozygosity predicts lifetime arrhythmic outcome and sudden cardiac death in desmosomal gene-related arrhythmogenic right ventricular cardiomyopathy. Circ Cardiovasc Genet. 2013 Dec;6(6):533-42.

Literature cited by the submitters: PubMed 24070718 (cited by 3 submitters); PubMed 26138720 (cited by Color Diagnostics, LLC DBA Color Health and Ambry Genetics); PubMed 21723241 (cited by Ambry Genetics).